The following is an entry in ClinVar:

NM_000454.5(SOD1):c.40C>T (p.Pro14Ser)

Genes: SOD1-DT (SOD1 divergent transcript; minus strand), SOD1 (superoxide dismutase 1; plus strand). Cytogenetic location: 21q22.11.
Variant type: single nucleotide variant.
Coding change: c.40C>T on transcript NM_000454.5 (MANE Select); coding-DNA position 40, C replaced by T.
Protein change: p.Pro14Ser; replaces proline 14 with serine.
Molecular consequence: missense variant. On other transcripts: non-coding transcript variant (1).
Genome position (GRCh38, 1-based): chr21:31,659,809, C>T. VCF-style: chr21-31659809-C-T. GRCh37 (hg19) VCF-style: chr21-33032122-C-T.
Other names: short protein forms P14S.
Identifiers: ClinVar variation 3613819 (VCV003613819.2).

ClinVar aggregate classification (germline): Uncertain significance (1 of 4 stars; one submission).

Conditions:
Amyotrophic lateral sclerosis type 1 (ALS1). Also called: AMYOTROPHIC LATERAL SCLEROSIS 1, FAMILIAL. Identifiers: Orphanet 803, MedGen C1862939, MONDO:0007103, OMIM 105400.

gnomAD v4.1: 1 of 1,613,860 alleles (0.000062%); no homozygotes.

Submission:

Labcorp Genetics (formerly Invitae), Labcorp
Classification: Uncertain significance for Amyotrophic lateral sclerosis type 1. Last evaluated: 2024-06-18. Review status: criteria provided, single submitter. Criteria: Invitae Variant Classification Sherloc (09022015). Collection method: clinical testing. Allele origin: germline.
Comment: This sequence change replaces proline, which is neutral and non-polar, with serine, which is neutral and polar, at codon 14 of the SOD1 protein (p.Pro14Ser). This variant is not present in population databases (gnomAD no frequency). This variant has not been reported in the literature in individuals affected with SOD1-related conditions. Advanced modeling of protein sequence and biophysical properties (such as structural, functional, and spatial information, amino acid conservation, physicochemical variation, residue mobility, and thermodynamic stability) performed at Invitae indicates that this missense variant is not expected to disrupt SOD1 protein function with a negative predictive value of 95%. In summary, the available evidence is currently insufficient to determine the role of this variant in disease. Therefore, it has been classified as a Variant of Uncertain Significance.